The following is an entry in ClinVar:

ClinVar aggregate classification (germline): Uncertain significance. Review status: criteria provided, multiple submitters, no conflicts (2 of 4 stars). 2 submissions from 2 submitters: Uncertain significance (2). Last evaluated 2022-08-09.

Conditions:
Familial cancer of breast. Also called: Hereditary breast cancer; BREAST CANCER, FAMILIAL; hereditary breast carcinoma. Identifiers: Orphanet 227535, MedGen C0346153, MONDO:0016419, OMIM 114480. Disease mechanism: loss of function.
Fanconi anemia complementation group J. Also called: BRIP1-Related Fanconi Anemia. Identifiers: Orphanet 84, MedGen C1836860, MONDO:0012187, OMIM 609054.

Submissions (2):

Labcorp Genetics (formerly Invitae), Labcorp
Classification: Uncertain significance for Familial cancer of breast; Fanconi anemia complementation group J. Last evaluated: 2022-08-09. Review status: criteria provided, single submitter. Criteria: Invitae Variant Classification Sherloc (09022015). Collection method: clinical testing. Allele origin: germline.
Comment: In summary, the available evidence is currently insufficient to determine the role of this variant in disease. Therefore, it has been classified as a Variant of Uncertain Significance. Algorithms developed to predict the effect of missense changes on protein structure and function output the following: SIFT: "Tolerated"; PolyPhen-2: "Benign"; Align-GVGD: "Class C0". The histidine amino acid residue is found in multiple mammalian species, which suggests that this missense change does not adversely affect protein function. ClinVar contains an entry for this variant (Variation ID: 956689). This variant has not been reported in the literature in individuals affected with BRIP1-related conditions. This variant is not present in population databases (gnomAD no frequency). This sequence change replaces tyrosine, which is neutral and polar, with histidine, which is basic and polar, at codon 455 of the BRIP1 protein (p.Tyr455His).

ARUP Laboratories, Molecular Genetics and Genomics, ARUP Laboratories
Classification: Uncertain significance. Last evaluated: 2022-06-22. Review status: criteria provided, single submitter. Criteria: ARUP Molecular Germline Variant Investigation Process 2021. Collection method: clinical testing. Allele origin: germline.
Comment: The BRIP1 c.1363T>C, p.Tyr455His variant (rs587780826), to our knowledge, is not reported in the medical literature or gene specific databases. This variant is also absent from the Genome Aggregation Database, indicating it is not a common polymorphism. The tyrosine at codon 455 is weakly and computational analyses predict that this variant is neutral (REVEL: 0.074). Due to limited information, the clinical significance of this variant is uncertain at this time.

NM_032043.3(BRIP1):c.1363T>C (p.Tyr455His)

Gene: BRIP1 (BRCA1 interacting DNA helicase 1; minus strand). Cytogenetic location: 17q23.2.
Variant type: single nucleotide variant.
Coding change: c.1363T>C on transcript NM_032043.3 (MANE Select); coding-DNA position 1363, T replaced by C.
Protein change: p.Tyr455His; replaces tyrosine 455 with histidine.
Molecular consequence: missense variant.
Genome position (GRCh38, 1-based): chr17:61,793,707, A>G on the plus strand (T>C on the coding strand, the complement: BRIP1 is on the minus strand). VCF-style: chr17-61793707-A-G. GRCh37 (hg19) VCF-style: chr17-59871068-A-G.
Other names: short protein forms Y455H.
Identifiers: ClinVar variation 956689 (VCV000956689.13), dbSNP rs587780826, ClinGen allele CA400482278.
Genomic context (GRCh38, chr17:61,793,707, plus strand): 5'-AGAGCATTTCATTTCCACTCCATATTTTACAAGCTGATTCATAATCTCTTTCTACAAGAT[A>G]TTCAGCGTTTGCTTCTAACCAACTGAAATAAAATAAAACAATTGTGTCAACCAGTATCAT-3'
Protein context (NP_114432.2, residues 445-465): LINWLEANAE[Tyr455His]LVERDYESAC